The following is an entry in ClinVar:

NM_005751.5(AKAP9):c.4286T>C (p.Val1429Ala)

Gene: AKAP9 (A-kinase anchoring protein 9; plus strand). Cytogenetic location: 7q21.2.
Variant type: single nucleotide variant.
Coding change: c.4286T>C on transcript NM_005751.5 (MANE Select); coding-DNA position 4286, T replaced by C.
Protein change: p.Val1429Ala; replaces valine 1429 with alanine.
Molecular consequence: missense variant.
Genome position (GRCh38, 1-based): chr7:92,031,552, T>C. VCF-style: chr7-92031552-T-C. GRCh37 (hg19) VCF-style: chr7-91660866-T-C.
Other names: c.4286T>C, p.Val1429Ala (NM_147185.3); short protein forms V1429A.
Identifiers: ClinVar variation 1739384 (VCV001739384.2), dbSNP rs375993686, ClinGen allele CA4336536.

ClinVar aggregate classification (germline): Uncertain significance (1 of 4 stars; one submission).

Conditions:
Cardiovascular phenotype. Identifiers: MedGen CN230736.

Allele frequency attached by ClinVar (database versions not stated): ExAC 0.00001; gnomAD 0.00001; TOPMed 0.00002; ESP Exome Variant Server 0.00008.
gnomAD v4.1: 1 of 1,612,762 alleles (0.000062%); highest among the groups gnomAD compares: African/African-American, 0.0013%; no homozygotes.

Submission:

Ambry Genetics
Classification: Uncertain significance for Cardiovascular phenotype. Last evaluated: 2022-07-06. Review status: criteria provided, single submitter. Criteria: Ambry Variant Classification Scheme 2023. Collection method: clinical testing. Allele origin: germline.
Comment: The p.V1429A variant (also known as c.4286T>C), located in coding exon 16 of the AKAP9 gene, results from a T to C substitution at nucleotide position 4286. The valine at codon 1429 is replaced by alanine, an amino acid with similar properties. This amino acid position is conserved. In addition, this alteration is predicted to be tolerated by in silico analysis. Since supporting evidence is limited at this time, the clinical significance of this alteration remains unclear.